The following is an entry in ClinVar:

NM_001292063.2(OTOG):c.5303A>G (p.Glu1768Gly)

Gene: OTOG (otogelin; plus strand). Cytogenetic location: 11p15.1.
Variant type: single nucleotide variant.
Coding change: c.5303A>G on transcript NM_001292063.2 (MANE Select); coding-DNA position 5303, A replaced by G.
Protein change: p.Glu1768Gly; replaces glutamic acid 1768 with glycine.
Molecular consequence: missense variant.
Genome position (GRCh38, 1-based): chr11:17,610,603, A>G. VCF-style: chr11-17610603-A-G. GRCh37 (hg19) VCF-style: chr11-17632150-A-G.
Other names: c.5339A>G, p.Glu1780Gly (NM_001277269.2); short protein forms E1780G, E1768G.
Identifiers: ClinVar variation 227785 (VCV000227785.8), dbSNP rs876657555, ClinGen allele CA10576869.
Genomic context (GRCh38, chr11:17,610,603, plus strand): 5'-CACCACCCCGCCCAGCCCAGCATACCACCATGGCCACCAGGTCTCCAGCTCTGCCCCCAG[A>G]GACCCCAGCTGCCGCCAGCCTGTCAACAGCCACTGATGGGCTGGCAGCCACACCCTTCAT-3'
Protein context (NP_001278992.1, residues 1758-1778): MATRSPALPP[Glu1768Gly]TPAAASLSTA

ClinVar aggregate classification (germline): Conflicting classifications of pathogenicity. Review status: criteria provided, conflicting classifications (1 of 4 stars). 2 submissions from 2 submitters: Uncertain significance (1); Likely benign (1). Last evaluated 2023-10-03.

Allele frequency attached by ClinVar (database versions not stated): gnomAD 0.00001; gnomAD exomes 0.00001 and 0.00004; TOPMed 0.00002.
gnomAD v4.1: 9 of 1,550,406 alleles (0.00058%); highest among the groups gnomAD compares: Admixed American, 0.018%; no homozygotes.

Submissions (2):

Labcorp Genetics (formerly Invitae), Labcorp
Classification: Uncertain significance. Last evaluated: 2023-10-03. Review status: criteria provided, single submitter. Criteria: Invitae Variant Classification Sherloc (09022015). Collection method: clinical testing. Allele origin: germline.
Comment: This sequence change replaces glutamic acid, which is acidic and polar, with glycine, which is neutral and non-polar, at codon 1780 of the OTOG protein (p.Glu1780Gly). This variant is present in population databases (no rsID available, gnomAD 0.03%). This variant has not been reported in the literature in individuals affected with OTOG-related conditions. ClinVar contains an entry for this variant (Variation ID: 227785). Algorithms developed to predict the effect of missense changes on protein structure and function output the following: SIFT: "Not Available"; PolyPhen-2: "Benign"; Align-GVGD: "Not Available". The glycine amino acid residue is found in multiple mammalian species, which suggests that this missense change does not adversely affect protein function. In summary, the available evidence is currently insufficient to determine the role of this variant in disease. Therefore, it has been classified as a Variant of Uncertain Significance.

Laboratory for Molecular Medicine, Mass General Brigham Personalized Medicine
Classification: Likely benign. Last evaluated: 2017-09-28. Review status: criteria provided, single submitter. Criteria: LMM Criteria. Collection method: clinical testing. Allele origin: germline. Observed: 2 variant alleles.
Comment: p.Glu1780Gly in exon 35 of OTOG: This variant is not expected to have clinical s ignificance due to a lack of conservation across species at the p.Glu1780 positi on, including mammals. Of note, over 30 mammals have a glycine (Gly) at this pos ition despite high nearby amino acid sequence conservation. It has been identifi ed in 6/23854 of Latino chromosomes by the Genome Aggregation Database (gnomAD).